The following is an entry in ClinVar:

NM_018133.4(MSL2):c.1614C>T (p.Asn538=)

Gene: MSL2 (MSL complex subunit 2; minus strand). Cytogenetic location: 3q22.3.
Variant type: single nucleotide variant.
Coding change: c.1614C>T on transcript NM_018133.4 (MANE Select); coding-DNA position 1614, C replaced by T.
Protein change: p.Asn538=; no amino-acid change (asparagine 538 retained).
Molecular consequence: synonymous variant.
Genome position (GRCh38, 1-based): chr3:136,151,267, G>A on the plus strand (C>T on the coding strand, the complement: MSL2 is on the minus strand). VCF-style: chr3-136151267-G-A. GRCh37 (hg19) VCF-style: chr3-135870109-G-A.
Other names: c.1392C>T, p.Asn464= (NM_001145417.2).
Identifiers: ClinVar variation 4681314 (VCV004681314.5).
Genomic context (GRCh38, chr3:136,151,267, plus strand): 5'-AGCTAAAAACGTCGTTACTGGGGACCCTGTGACATTTATTACACTGGTGCTGGTACTAGC[G>A]TTACGCACAGCAATGCTAGTCACGTTAATGCCCAAAGTGAGCCTGGTCTGCTCCAAGGCC-3'
Protein context (NP_060603.2, residues 528-548): GINVTSIAVR[Asn538=]ASTSTSVINV

ClinVar aggregate classification (germline): Likely benign (1 of 4 stars; one submission).

gnomAD v4.1: 625 of 1,614,216 alleles (0.039%); highest among the groups gnomAD compares: Middle Eastern, 0.066%; 1 homozygote.

Submission:

CeGaT Center for Human Genetics Tuebingen
Classification: Likely benign. Last evaluated: 2026-08-01. Review status: criteria provided, single submitter. Criteria: CeGaT Center For Human Genetics Tuebingen Variant Classification Criteria Version 2. Collection method: clinical testing. Allele origin: germline. Affected: yes. Observed: 2 variant alleles.
Comment: MSL2: BP4, BP7